The following is an entry in ClinVar:

NM_058216.3(RAD51C):c.288C>T (p.Thr96=)

Gene: RAD51C (RAD51 paralog C; plus strand). Cytogenetic location: 17q22.
Variant type: single nucleotide variant.
Coding change: c.288C>T on transcript NM_058216.3 (MANE Select); coding-DNA position 288, C replaced by T.
Protein change: p.Thr96=; no amino-acid change (threonine 96 retained).
Molecular consequence: synonymous variant. On other transcripts: non-coding transcript variant (2).
Genome position (GRCh38, 1-based): chr17:58,695,073, C>T. VCF-style: chr17-58695073-C-T. GRCh37 (hg19) VCF-style: chr17-56772434-C-T.
Other names: c.288C>T, p.Thr96= (NM_002876.4).
Identifiers: ClinVar variation 3903720 (VCV003903720.1).

ClinVar aggregate classification (germline): Benign (1 of 4 stars; one submission).

Conditions:
Breast-ovarian cancer, familial, susceptibility to, 3. Also called: RAD51C-Related Breast/Ovarian Cancer. Identifiers: Orphanet 145, MedGen C3150659, MONDO:0013253, OMIM 613399.

Submission:

Myriad Genetics, Inc.
Classification: Benign for Breast-ovarian cancer, familial, susceptibility to, 3. Last evaluated: 2025-02-14. Review status: criteria provided, single submitter. Criteria: Myriad Autosomal Dominant, Autosomal Recessive and X-Linked Classification Criteria (2023). Collection method: clinical testing. Allele origin: unknown.
Comment: This variant is considered benign. This variant is a silent/synonymous amino acid change and it is not expected to impact splicing.